The following is an entry in ClinVar:

NM_015046.7(SETX):c.7195A>G (p.Ile2399Val)

Gene: SETX (senataxin; minus strand). Cytogenetic location: 9q34.13.
Variant type: single nucleotide variant.
Coding change: c.7195A>G on transcript NM_015046.7 (MANE Select); coding-DNA position 7195, A replaced by G.
Protein change: p.Ile2399Val; replaces isoleucine 2399 with valine.
Molecular consequence: missense variant.
Genome position (GRCh38, 1-based): chr9:132,271,714, T>C on the plus strand (A>G on the coding strand, the complement: SETX is on the minus strand). VCF-style: chr9-132271714-T-C. GRCh37 (hg19) VCF-style: chr9-135147101-T-C.
Other names: c.7195A>G, p.Ile2399Val (NM_001351527.2, NM_001351528.2); short protein forms I2399V.
Identifiers: ClinVar variation 805435 (VCV000805435.16), dbSNP rs150489999, ClinGen allele CA5296486.
Genomic context (GRCh38, chr9:132,271,714, plus strand): 5'-TATAAACAAGCAACAATGTATACAAGTATAAAAGAGCAACAATGACAGTAACTCACCCAA[T>C]TGAACCTTGGATGCTATTTGCTCTGACACACGTAACAATAACACAATCCTTCTGCCGACC-3'
Protein context (NP_055861.3, residues 2389-2409): CVRANSIQGS[Ile2399Val]GFLASLQRLN

ClinVar aggregate classification (germline): Conflicting classifications of pathogenicity. Review status: criteria provided, conflicting classifications (1 of 4 stars). 6 submissions from 5 submitters: Uncertain significance (5); Benign (1). Last evaluated 2025-11-11.

Conditions:
Inborn genetic diseases. Identifiers: MedGen C0950123, MeSH D030342.
Amyotrophic lateral sclerosis type 4 (ALS4). Also called: NEURONOPATHY, DISTAL HEREDITARY MOTOR, WITH PYRAMIDAL FEATURES; AMYOTROPHIC LATERAL SCLEROSIS 4, JUVENILE. Identifiers: Orphanet 357043, MedGen C1865409, MONDO:0011223, OMIM 602433.
Spinocerebellar ataxia, autosomal recessive, with axonal neuropathy 2 (SCAN2). Also called: Ataxia with Oculomotor Apraxia; ATAXIA-OCULOMOTOR APRAXIA 2; Ataxia-ocular apraxia-2; Ataxia with Oculomotor Apraxia Type 2. Identifiers: Orphanet 64753, MedGen C1853761, MONDO:0018996, OMIM 606002.

Allele frequency attached by ClinVar (database versions not stated): ExAC 0.00005; gnomAD exomes 0.00007 and 0.00012; TOPMed 0.00013; ESP Exome Variant Server 0.00015; gnomAD 0.00015 and 0.00016.
gnomAD v4.1: 128 of 1,609,360 alleles (0.008%); highest among the groups gnomAD compares: Admixed American, 0.062%; no homozygotes.

Submissions (6):

Labcorp Genetics (formerly Invitae), Labcorp
Classification: Benign for Amyotrophic lateral sclerosis type 4; Spinocerebellar ataxia, autosomal recessive, with axonal neuropathy 2. Last evaluated: 2025-11-11. Review status: criteria provided, single submitter. Criteria: Invitae Variant Classification Sherloc (09022015). Collection method: clinical testing. Allele origin: germline.

CeGaT Center for Human Genetics Tuebingen
Classification: Uncertain significance. Last evaluated: 2025-03-01. Review status: criteria provided, single submitter. Criteria: CeGaT Center For Human Genetics Tuebingen Variant Classification Criteria Version 2. Collection method: clinical testing. Allele origin: germline. Affected: yes. Observed: 1 variant allele.
Comment: SETX: PM2

Ambry Genetics
Classification: Uncertain significance for Inborn genetic diseases. Last evaluated: 2024-02-12. Review status: criteria provided, single submitter. Criteria: Ambry Variant Classification Scheme 2023. Collection method: clinical testing. Allele origin: germline.

Genome-Nilou Lab
Classification: Uncertain significance for Spinocerebellar ataxia, autosomal recessive, with axonal neuropathy 2. Last evaluated: 2023-02-08. Review status: criteria provided, single submitter. Criteria: ACMG Guidelines, 2015. Collection method: clinical testing. Allele origin: germline.

Genome-Nilou Lab
Classification: Uncertain significance for Amyotrophic lateral sclerosis type 4. Last evaluated: 2023-02-08. Review status: criteria provided, single submitter. Criteria: ACMG Guidelines, 2015. Collection method: clinical testing. Allele origin: germline.

Athena Diagnostics
Classification: Uncertain significance. Last evaluated: 2019-07-24. Review status: criteria provided, single submitter. Criteria: Athena Diagnostics Criteria. Collection method: clinical testing. Allele origin: germline.